The following is an entry in ClinVar:

NM_001048174.2(MUTYH):c.1240-1G>C

Gene: MUTYH (mutY DNA glycosylase; minus strand). Cytogenetic location: 1p34.1.
Variant type: single nucleotide variant.
Coding change: c.1240-1G>C on transcript NM_001048174.2 (MANE Select); the canonical splice acceptor site of the intron before coding-DNA position 1240, G replaced by C.
Molecular consequence: splice acceptor variant.
Genome position (GRCh38, 1-based): chr1:45,331,335, C>G on the plus strand (G>C on the coding strand, the complement: MUTYH is on the minus strand). VCF-style: chr1-45331335-C-G. GRCh37 (hg19) VCF-style: chr1-45797007-C-G.
Other names: c.1240-1G>C (NM_001407072.1, NM_001407073.1, NM_001048171.2 and 6 more transcripts); c.895-1G>C (NM_001350651.2, NM_001350650.2, NM_001407082.1); c.964-1G>C (NM_001293192.2, NM_001293196.2, NM_001407091.1); c.1285-1G>C (NM_001293190.2); c.1273-1G>C (NM_001407069.1, NM_001407077.1, NM_001293191.2); c.1315-1G>C (NM_012222.3); c.1324-1G>C (NM_001128425.2); c.1243-1G>C (NM_001407071.1, NM_001048172.2, NM_001407078.1 and 1 more transcripts); and 5 more.
Identifiers: ClinVar variation 2762101 (VCV002762101.3), dbSNP rs876660837, ClinGen allele CA340132811.

ClinVar aggregate classification (germline): Likely pathogenic (1 of 4 stars; one submission).

Conditions:
Familial adenomatous polyposis 2. Also called: MUTYH-associated polyposis; Adenomas, multiple colorectal; COLORECTAL ADENOMATOUS POLYPOSIS, AUTOSOMAL RECESSIVE; ADENOMAS, MULTIPLE COLORECTAL, AUTOSOMAL RECESSIVE; MUTYH-related attenuated familial adenomatous polyposis; MYH-associated polyposis. Identifiers: Orphanet 220460, Orphanet 247798, MedGen C3272841, MONDO:0012041, OMIM 608456.

Submission:

Labcorp Genetics (formerly Invitae), Labcorp
Classification: Likely pathogenic for Familial adenomatous polyposis 2. Last evaluated: 2023-09-20. Review status: criteria provided, single submitter. Criteria: Invitae Variant Classification Sherloc (09022015). Collection method: clinical testing. Allele origin: germline.
Comment: This sequence change affects an acceptor splice site in intron 13 of the MUTYH gene. It is expected to disrupt RNA splicing. Variants that disrupt the donor or acceptor splice site typically lead to a loss of protein function (PMID: 16199547), and loss-of-function variants in MUTYH are known to be pathogenic (PMID: 18534194, 20663686). This variant is not present in population databases (gnomAD no frequency). This variant has not been reported in the literature in individuals affected with MUTYH-related conditions. Algorithms developed to predict the effect of sequence changes on RNA splicing suggest that this variant may disrupt the consensus splice site. In summary, the currently available evidence indicates that the variant is pathogenic, but additional data are needed to prove that conclusively. Therefore, this variant has been classified as Likely Pathogenic.

Literature cited by the submitters: PubMed 16199547; PubMed 18534194; PubMed 20663686.